The following continues an entry in ClinVar:

NM_032043.3(BRIP1):c.2119C>T (p.Arg707Cys)

Gene: BRIP1. ClinVar aggregate classification (germline): Uncertain significance. Uncertain significance (11).

Submissions 9 to 13 of 13:

Victorian Clinical Genetics Services, Murdoch Childrens Research Institute
Classification: Uncertain significance for Familial cancer of breast. Last evaluated: 2022-03-31. Review status: criteria provided, single submitter. Criteria: ACMG Guidelines, 2015. Collection method: clinical testing. Allele origin: germline. Inheritance: Autosomal dominant inheritance.
Comment: Based on the classification scheme VCGS_Germline_v1.3.4, this variant is classified as VUS-3B. Following criteria are met: 0102 - Loss of function is a known mechanism of disease in this gene and is associated with complementation group J Fanconi anaemia (MIM#609054), and susceptibility to early-onset breast cancer (MIM#114480) and ovarian cancer (National Comprehensive Cancer Network guidelines). (I) 0108 - This gene is associated with both recessive and dominant disease. Biallelic pathogenic variants are associated with complementation group J Fanconi anaemia, while monoallelic pathogenic variants are associated with increased susceptibility to cancer. (I) 0200 - Variant is predicted to result in a missense amino acid change from arginine to cysteine. (I) 0251 - This variant is heterozygous. (I) 0302 - Variant is present in gnomAD (v2) <0.001 (8 heterozygotes, 0 homozygotes). (SP) 0309 - Two alternative amino acid changes at the same position have been observed in gnomAD (v2) (highest allele count: 2 heterozygotes, 0 homozygotes). (I) 0501 - Missense variant consistently predicted to be damaging by multiple in silico tools or highly conserved with a major amino acid change. (SP) 0600 - Variant is located in the annotated motif IV within the helicase core domain (PMID: 29788478). (I) 0710 - Other missense variants comparable to the one identified in this case have inconclusive previous evidence for pathogenicity. Alternative changes p.(Arg707His), p.(Arg707Ser) and p.(Arg707Gly) have been reported as VUS (ClinVar, PMID: 26976419). (I) 0809 - Previous evidence of pathogenicity for this variant is inconclusive. It has been reported in an individual with Fanconi anaemia who also has another missense variant (PMID: 16116423). It has also been found once as a germline variant in an ovarian cancer patient cohort (PMID: 31822495). In addition, it has been reported in ClinVar multiple times as VUS and once as likely pathogenic. (I) 0905 - No published segregation evidence has been identified for this variant. (I) 1002 - This variant has moderate functional evidence supporting abnormal protein function. In vitro studies showed the R707C protein had reduced DNA binding, ATPase and helicase activities (PMID: 29788478). The R707C protein failed to rescue cisplatin or mitomycin sensitivity, but was able to confer resistance to aphidicolin, telomestatin and bleomycin. It was regarded as a hypomorphic variant in PMID: 33619228. (I) Legend: (SP) - Supporting pathogenic, (I) - Information, (SB) - Supporting benign

Sema4
Classification: Uncertain significance for Hereditary cancer-predisposing syndrome. Last evaluated: 2021-10-24. Review status: criteria provided, single submitter. Criteria: Sema4 Curation Guidelines. Collection method: curation. Allele origin: germline.
Comment: The BRIP1 c.2119C>T (p.R707C) variant has been reported as compound heterozygous in at least one individual with Fanconi anemia type J (PMID: 16116423). This variant has also been reported in heterozygosity in at least one individual with ovarian cancer and two individuals with breast cancer (PMID: 31822495, 33471991). Functional studies have shown that this variant results in partially defective helicase activity in vitro (PMID: 29788478). This variant was observed in 8/128868 chromosomes in the Non-Finnish European population according to the Genome Aggregation Database (PMID: 32461654). This variant has been reported in ClinVar (Variation ID: 234570). In silico predictions of the variant's effect on protein function are deleterious. The evidence is insufficient to meet ACMG/AMP criteria for classifying the variant as benign or pathogenic. Thus, the clinical significance of this variant is currently uncertain.

GeneDx
Classification: Uncertain significance. Last evaluated: 2018-11-12. Review status: criteria provided, single submitter. Criteria: GeneDx Variant Classification (06012015). Collection method: clinical testing. Allele origin: germline. Affected: yes.
Comment: This variant is denoted BRIP1 c.2119C>T at the cDNA level, p.Arg707Cys (R707C) at the protein level, and results in the change of an Arginine to a Cysteine (CGT>TGT). This variant was observed in an individual with Fanconi Anemia-J who also had a second BRIP1 missense variant and weak BRIP1 protein expression on Western blot analysis (Levitus 2005). However, as phase was not described, we cannot be certain that Arg707Cys was in trans with the second missense variant. In vitro functional assays suggests this variant partially impairs helicase activity compared to wild type (Bhari 2018). BRIP1 Arg707Cys was not observed at a significant allele frequency in large population cohorts (Lek 2016). This variant is located in the helicase domain (Cantor 2011). In silico analysis, which includes protein predictors and evolutionary conservation, supports a deleterious effect. Based on currently available evidence, it is unclear whether BRIP1 Arg707Cys is a pathogenic or benign variant. We consider it to be a variant of uncertain significance.

Mendelics
Classification: Likely pathogenic for Familial cancer of breast. Last evaluated: 2019-05-28. Review status: flagged submission. Criteria: Mendelics Assertion Criteria 2017. Collection method: clinical testing. Allele origin: unknown. Not counted in ClinVar's aggregate classification.
ClinVar note: Reason: Outlier claim with insufficient supporting evidence

Leiden Open Variation Database
Classification: Pathogenic for Fanconi anemia complementation group J. Last evaluated: 2011-02-07. Review status: flagged submission. Collection method: curation. Allele origin: germline. Affected: yes. Not counted in ClinVar's aggregate classification.
Comment: Curator: Arleen D. Auerbach. Submitter to LOVD: Arleen D. Auerbach.
ClinVar note: Reason: Outlier claim with insufficient supporting evidence

Literature cited by the submitters: PubMed 16116423 (cited by 8 submitters); PubMed 31822495 (cited by 6 submitters); PubMed 34585473 (cited by 5 submitters); PubMed 29788478 (cited by 5 submitters); PubMed 33471991 (cited by 3 submitters); PubMed 33619228 (cited by 4 submitters); PubMed 26976419 (cited by Victorian Clinical Genetics Services, Murdoch Childrens Research Institute).